The following is an entry in ClinVar:

ClinVar aggregate classification (germline): Uncertain significance (1 of 4 stars; one submission).

Allele frequency attached by ClinVar (database versions not stated): gnomAD exomes below 0.00001.

Submission:

GeneDx
Classification: Uncertain significance. Last evaluated: 2017-10-31. Review status: criteria provided, single submitter. Criteria: GeneDx Variant Classification (06012015). Collection method: clinical testing. Allele origin: germline. Affected: yes.
Comment: The c.592 G>T variant in the CSF1R gene has not been reported previously as a pathogenic variant, nor as a benign variant, to our knowledge. The c.592 G>T variant is not observed in large population cohorts (Lek et al., 2016). In-silico splice prediction models predict that c.592 G>T may damage or destroy the natural splice donor site in intron 4, which may cause abnormal gene splicing. However, in the absence of RNA/functional studies, the actual effect of the c.592 G>T change in this individual is unknown. If c.592 G>T does not alter splicing, it will result in the V198F missense change. The V198F variant is a semi-conservative amino acid substitution, which may impact secondary protein structure as these residues differ in some properties. This substitution occurs at a position that is not conserved across species. However, in silico analysis predicts this variant is probably damaging to the protein structure/function. We interpret c.592 G>T as a variant of uncertain significance.

NM_001288705.3(CSF1R):c.592G>T (p.Val198Phe)

Gene: CSF1R (colony stimulating factor 1 receptor; minus strand). Cytogenetic location: 5q32.
Variant type: single nucleotide variant.
Coding change: c.592G>T on transcript NM_001288705.3 (MANE Select); coding-DNA position 592, G replaced by T.
Protein change: p.Val198Phe; replaces valine 198 with phenylalanine.
Molecular consequence: missense variant. On other transcripts: non-coding transcript variant (2).
Genome position (GRCh38, 1-based): chr5:150,080,052, C>A on the plus strand (G>T on the coding strand, the complement: CSF1R is on the minus strand). VCF-style: chr5-150080052-C-A. GRCh37 (hg19) VCF-style: chr5-149459615-C-A.
Other names: c.592G>T, p.Val198Phe (NM_001349736.2, NM_001375320.1, NM_005211.4); c.148G>T, p.Val50Phe (NM_001375321.1); short protein forms V198F, V50F.
Identifiers: ClinVar variation 453116 (VCV000453116.2), dbSNP rs1554103835, ClinGen allele CA361732340.